The following is an entry in ClinVar:

NM_017654.4(SAMD9):c.2151G>T (p.Met717Ile)

Gene: SAMD9 (sterile alpha motif domain containing 9; minus strand). Cytogenetic location: 7q21.2.
Variant type: single nucleotide variant.
Coding change: c.2151G>T on transcript NM_017654.4 (MANE Select); coding-DNA position 2151, G replaced by T.
Protein change: p.Met717Ile; replaces methionine 717 with isoleucine.
Molecular consequence: missense variant.
Genome position (GRCh38, 1-based): chr7:93,103,947, C>A on the plus strand (G>T on the coding strand, the complement: SAMD9 is on the minus strand). VCF-style: chr7-93103947-C-A. GRCh37 (hg19) VCF-style: chr7-92733260-C-A.
Other names: c.2151G>T, p.Met717Ile (NM_001193307.2); short protein forms M717I.
Identifiers: ClinVar variation 3792057 (VCV003792057.1).

ClinVar aggregate classification (germline): Uncertain significance (1 of 4 stars; one submission).

Conditions:
Inborn genetic diseases. Identifiers: MedGen C0950123, MeSH D030342.

Submission:

Ambry Genetics
Classification: Uncertain significance for Inborn genetic diseases. Last evaluated: 2025-02-05. Review status: criteria provided, single submitter. Criteria: Ambry Variant Classification Scheme 2023. Collection method: clinical testing. Allele origin: germline.
Comment: The p.M717I variant (also known as c.2151G>T), located in coding exon 1 of the SAMD9 gene, results from a G to T substitution at nucleotide position 2151. The methionine at codon 717 is replaced by isoleucine, an amino acid with highly similar properties. This amino acid position is conserved. In addition, this alteration is predicted to be tolerated by in silico analysis. Based on the available evidence, the clinical significance of this variant remains unclear.